The following is an entry in ClinVar:

NM_138713.4(NFAT5):c.3712C>T (p.Pro1238Ser)

Gene: NFAT5 (nuclear factor of activated T cells 5; plus strand). Cytogenetic location: 16q22.1.
Variant type: single nucleotide variant.
Coding change: c.3712C>T on transcript NM_138713.4 (MANE Select); coding-DNA position 3712, C replaced by T.
Protein change: p.Pro1238Ser; replaces proline 1238 with serine.
Molecular consequence: missense variant.
Genome position (GRCh38, 1-based): chr16:69,693,537, C>T. VCF-style: chr16-69693537-C-T. GRCh37 (hg19) VCF-style: chr16-69727440-C-T.
Other names: c.3709C>T, p.Pro1237Ser (NM_001113178.3); c.3037C>T, p.Pro1013Ser (NM_001367709.1); c.3658C>T, p.Pro1220Ser (NM_006599.4); c.3430C>T, p.Pro1144Ser (NM_138714.4, NM_173214.3, NM_173215.3); short protein forms P1144S, P1237S, P1238S, P1220S, P1013S.
Identifiers: ClinVar variation 3719701 (VCV003719701.2).

ClinVar aggregate classification (germline): Uncertain significance (1 of 4 stars; one submission).

Conditions:
Immunodeficiency. Identifiers: MedGen C0021051, MONDO:0021094, HP:0002721.

gnomAD v4.1: 6 of 1,614,082 alleles (0.00037%); highest among the groups gnomAD compares: Non-Finnish European, 0.00025%; no homozygotes.

Submission:

Labcorp Genetics (formerly Invitae), Labcorp
Classification: Uncertain significance for Immunodeficiency. Last evaluated: 2025-02-13. Review status: criteria provided, single submitter. Criteria: Invitae Variant Classification Sherloc (09022015). Collection method: clinical testing. Allele origin: germline.
Comment: This sequence change replaces proline, which is neutral and non-polar, with serine, which is neutral and polar, at codon 1144 of the NFAT5 protein (p.Pro1144Ser). This variant is present in population databases (rs769540307, gnomAD 0.02%). This variant has not been reported in the literature in individuals affected with NFAT5-related conditions. An algorithm developed to predict the effect of missense changes on protein structure and function outputs the following: PolyPhen-2: "Benign". The serine amino acid residue is found in multiple mammalian species, which suggests that this missense change does not adversely affect protein function. In summary, the available evidence is currently insufficient to determine the role of this variant in disease. Therefore, it has been classified as a Variant of Uncertain Significance.